The following is an entry in ClinVar:

NC_000017.10:g.(?_40690347)_(40690783_?)del

Gene: NAGLU (N-acetyl-alpha-glucosaminidase; plus strand). Cytogenetic location: 17q21.2.
Variant type: Deletion.
Identifiers: ClinVar variation 1069834 (VCV001069834.1).

ClinVar aggregate classification (germline): Pathogenic (1 of 4 stars; one submission).

Conditions:
Charcot-Marie-Tooth disease axonal type 2V. Also called: CHARCOT-MARIE-TOOTH NEUROPATHY, TYPE 2V; CHARCOT-MARIE-TOOTH DISEASE, AXONAL, AUTOSOMAL DOMINANT, TYPE 2V. Identifiers: Orphanet 447964, MedGen C5569050, MONDO:0014665, OMIM 616491.
Mucopolysaccharidosis, MPS-III-B (MPS3B). Also called: MPS III B; Mucopolysaccharidosis type IIIB (Sanfilippo B); N-ACETYL-ALPHA-D-GLUCOSAMINIDASE DEFICIENCY; NAGLU DEFICIENCY; SANFILIPPO SYNDROME B; MUCOPOLYSACCHARIDOSIS, TYPE IIIB. Identifiers: Orphanet 79270, MedGen C0086648, MONDO:0009656, OMIM 252920.

Submission:

Labcorp Genetics (formerly Invitae), Labcorp
Classification: Pathogenic for Charcot-Marie-Tooth disease axonal type 2V; Mucopolysaccharidosis, MPS-III-B. Last evaluated: 2020-10-13. Review status: criteria provided, single submitter. Criteria: Invitae Variant Classification Sherloc (09022015). Collection method: clinical testing. Allele origin: germline.
Comment: This variant is an out-of-frame deletion of the genomic region encompassing exon(s) 3-4 of the NAGLU gene. This is expected to create a premature translational stop signal and result in an absent or disrupted protein product. This variant has been observed in individual(s) with mucopolysaccharidosis type III (PMID: 20138557). Loss-of-function variants in NAGLU are known to be pathogenic (PMID: 9832037, 10094189, 16151907). For these reasons, this variant has been classified as Pathogenic.

Literature cited by the submitters: PubMed 20138557; PubMed 9832037; PubMed 10094189; PubMed 16151907.